The following is an entry in ClinVar:

ClinVar aggregate classification (germline): Conflicting classifications of pathogenicity. Review status: criteria provided, conflicting classifications (1 of 4 stars). 3 submissions from 2 submitters: Uncertain significance (2); Likely benign (1). Last evaluated 2025-04-25.

Conditions:
Autosomal recessive nonsyndromic hearing loss 12. Also called: DEAFNESS, AUTOSOMAL RECESSIVE 12. Identifiers: Orphanet 90636, MedGen C1832394, MONDO:0011067, OMIM 601386.
Usher syndrome type 1D (USH1D). Also called: USHER SYNDROME, TYPE ID. Identifiers: Orphanet 231169, Orphanet 886, MedGen C1832845, MONDO:0010984, OMIM 601067.
CDH23-related disorder. Also called: CDH23-related condition; CDH23-related disorders.

Allele frequency attached by ClinVar (database versions not stated): gnomAD exomes below 0.00001 and 0.00003; gnomAD 0.00001; ExAC 0.00002; TOPMed 0.00002.
gnomAD v4.1: 8 of 1,556,250 alleles (0.00051%); highest among the groups gnomAD compares: Admixed American, 0.012%; no homozygotes.

Submissions (3):

PreventionGenetics, part of Exact Sciences
Classification: Likely benign for CDH23-related condition. Last evaluated: 2025-04-25. Review status: criteria provided, single submitter. Criteria: ACMG Guidelines, 2015. Collection method: clinical testing. Allele origin: germline.
Comment: This variant is classified as likely benign based on ACMG/AMP sequence variant interpretation guidelines (Richards et al. 2015 PMID: 25741868, with internal and published modifications).

Illumina Laboratory Services, Illumina
Classification: Uncertain significance for Autosomal recessive nonsyndromic hearing loss 12. Last evaluated: 2018-01-13. Review status: criteria provided, single submitter. Criteria: ICSL Variant Classification Criteria 13 December 2019. Collection method: clinical testing. Allele origin: germline.

Illumina Laboratory Services, Illumina
Classification: Uncertain significance for Usher syndrome type 1D. Last evaluated: 2018-01-13. Review status: criteria provided, single submitter. Criteria: ICSL Variant Classification Criteria 13 December 2019. Collection method: clinical testing. Allele origin: germline.

NM_022124.6(CDH23):c.*1C>G

Gene: CDH23 (cadherin related 23; plus strand). Cytogenetic location: 10q22.1.
Variant type: single nucleotide variant.
Coding change: c.*1C>G on transcript NM_022124.6 (MANE Select); 1 bases downstream of the stop codon, C replaced by G.
Molecular consequence: 3 prime UTR variant.
Genome position (GRCh38, 1-based): chr10:71,815,279, C>G. VCF-style: chr10-71815279-C-G. GRCh37 (hg19) VCF-style: chr10-73575036-C-G.
Other names: c.*1C>G (NM_001171933.1, NM_001171934.1, NM_001171935.1 and 1 more transcripts).
Identifiers: ClinVar variation 300481 (VCV000300481.7), dbSNP rs768199443, ClinGen allele CA5547259.